The following is an entry in ClinVar:

NM_005236.3(ERCC4):c.317T>G (p.Val106Gly)

Gene: ERCC4 (ERCC excision repair 4, endonuclease catalytic subunit; plus strand). Cytogenetic location: 16p13.12.
Variant type: single nucleotide variant.
Coding change: c.317T>G on transcript NM_005236.3 (MANE Select); coding-DNA position 317, T replaced by G.
Protein change: p.Val106Gly; replaces valine 106 with glycine.
Molecular consequence: missense variant.
Genome position (GRCh38, 1-based): chr16:13,922,140, T>G. VCF-style: chr16-13922140-T-G. GRCh37 (hg19) VCF-style: chr16-14015997-T-G.
Other names: short protein forms V106G.
Identifiers: ClinVar variation 1908155 (VCV001908155.5), dbSNP rs766951888, ClinGen allele CA7910151.
Genomic context (GRCh38, chr16:13,922,140, plus strand): 5'-GCCGTGTAACAAATGAAATCACAAGCAACAGTCGCTATGAAGTTTACACACAAGGTGGTG[T>G]TATATTTGCGACAAGTAGGATACTTGTGGTTGACTTCTTGACTGATAGAATACCTTCAGA-3'
Protein context (NP_005227.1, residues 96-116): SRYEVYTQGG[Val106Gly]IFATSRILVV

ClinVar aggregate classification (germline): Uncertain significance (1 of 4 stars; one submission).

Conditions:
Xeroderma pigmentosum, group F (XPF). Also called: ERCC4-Related Xeroderma Pigmentosum; XERODERMA PIGMENTOSUM, COMPLEMENTATION GROUP F; XERODERMA PIGMENTOSUM VI; XP, GROUP F; XERODERMA PIGMENTOSUM, TYPE F; Xeroderma pigmentosum, type 6. Identifiers: MedGen C0268140, MONDO:0010215, OMIM 278760.
Cockayne syndrome. Identifiers: Orphanet 191, MedGen C0009207, MONDO:0016006.
Fanconi anemia complementation group Q. Identifiers: Orphanet 84, MedGen C3808988, MONDO:0014108, OMIM 615272.

Allele frequency attached by ClinVar (database versions not stated): gnomAD exomes 0.00001; ExAC 0.00002; TOPMed 0.00003; gnomAD 0.00007.
gnomAD v4.1: 20 of 1,613,292 alleles (0.0012%); highest among the groups gnomAD compares: African/African-American, 0.017%; no homozygotes.

Submission:

Labcorp Genetics (formerly Invitae), Labcorp
Classification: Uncertain significance for Fanconi anemia complementation group Q; Xeroderma pigmentosum, group F; Cockayne syndrome. Last evaluated: 2023-02-05. Review status: criteria provided, single submitter. Criteria: Invitae Variant Classification Sherloc (09022015). Collection method: clinical testing. Allele origin: germline.
Comment: Advanced modeling of protein sequence and biophysical properties (such as structural, functional, and spatial information, amino acid conservation, physicochemical variation, residue mobility, and thermodynamic stability) performed at Invitae indicates that this missense variant is expected to disrupt ERCC4 protein function. In summary, the available evidence is currently insufficient to determine the role of this variant in disease. Therefore, it has been classified as a Variant of Uncertain Significance. This variant has not been reported in the literature in individuals affected with ERCC4-related conditions. This sequence change replaces valine, which is neutral and non-polar, with glycine, which is neutral and non-polar, at codon 106 of the ERCC4 protein (p.Val106Gly). This variant is present in population databases (rs766951888, gnomAD 0.02%).